The following is an entry in ClinVar:

ClinVar aggregate classification (germline): Uncertain significance (1 of 4 stars; one submission).

Submission:

GeneDx
Classification: Uncertain significance. Last evaluated: 2026-02-06. Review status: criteria provided, single submitter. Criteria: GeneDx Variant Classification Process June 2021. Collection method: clinical testing. Allele origin: germline. Affected: yes.
Comment: Not observed at significant frequency in large population cohorts (gnomAD); In silico analysis supports that this missense variant has a deleterious effect on protein structure/function; Has not been previously published as pathogenic or benign to our knowledge

NM_001184880.2(PCDH19):c.1340A>C (p.Asn447Thr)

Gene: PCDH19 (protocadherin 19; minus strand). Cytogenetic location: Xq22.1.
Variant type: single nucleotide variant.
Coding change: c.1340A>C on transcript NM_001184880.2 (MANE Select); coding-DNA position 1340, A replaced by C.
Protein change: p.Asn447Thr; replaces asparagine 447 with threonine.
Molecular consequence: missense variant.
Genome position (GRCh38, 1-based): chrX:100,407,258, T>G on the plus strand (A>C on the coding strand, the complement: PCDH19 is on the minus strand). VCF-style: chrX-100407258-T-G. GRCh37 (hg19) VCF-style: chrX-99662256-T-G.
Other names: c.1340A>C, p.Asn447Thr (NM_001105243.2, NM_020766.3); short protein forms N447T.
Identifiers: ClinVar variation 2572767 (VCV002572767.2), dbSNP rs2520983441, ClinGen allele CA414002944.